The following is an entry in ClinVar:

ClinVar aggregate classification (germline): Uncertain significance (1 of 4 stars; one submission).

Conditions:
Malignant hyperthermia, susceptibility to, 5 (MHS5). Also called: CACNA1S-Related Malignant Hyperthermia Susceptibility. Identifiers: Orphanet 423, MedGen C1866077, MONDO:0011163, OMIM 601887.
Hypokalemic periodic paralysis, type 1. Also called: Hypokalemic Periodic Paralysis Type 1 (AD); HypoPP. Identifiers: Orphanet 681, MedGen C3714580, MONDO:0042979, OMIM 170400.

Submission:

Labcorp Genetics (formerly Invitae), Labcorp
Classification: Uncertain significance for Hypokalemic periodic paralysis, type 1; Malignant hyperthermia, susceptibility to, 5. Last evaluated: 2023-09-15. Review status: criteria provided, single submitter. Criteria: Invitae Variant Classification Sherloc (09022015). Collection method: clinical testing. Allele origin: germline.
Comment: This sequence change falls in intron 30 of the CACNA1S gene. It does not directly change the encoded amino acid sequence of the CACNA1S protein. It affects a nucleotide within the consensus splice site. This variant is not present in population databases (gnomAD no frequency). This variant has been observed in individual(s) with clinical features of CACNA1S-related conditions (Invitae). Variants that disrupt the consensus splice site are a relatively common cause of aberrant splicing (PMID: 17576681, 9536098). Algorithms developed to predict the effect of sequence changes on RNA splicing suggest that this variant may disrupt the consensus splice site. In summary, the available evidence is currently insufficient to determine the role of this variant in disease. Therefore, it has been classified as a Variant of Uncertain Significance.

Literature cited by the submitters: PubMed 17576681; PubMed 9536098.

NM_000069.3(CACNA1S):c.3796-3del

Gene: CACNA1S (calcium voltage-gated channel subunit alpha1 S; minus strand). Cytogenetic location: 1q32.1.
Variant type: Deletion.
Coding change: c.3796-3del on transcript NM_000069.3 (MANE Select); 3 bases into the intron before coding-DNA position 3796, one base deleted (C; older notation c.3796-3delC).
Molecular consequence: intron variant.
Genome position (GRCh38, 1-based): chr1:201,053,277, G deleted on the plus strand (C on the coding strand, the reverse complement: CACNA1S is on the minus strand). VCF-style (leftmost placement, unchanged base first): chr1-201053276-TG-T. GRCh37 (hg19) VCF-style: chr1-201022404-TG-T.
Identifiers: ClinVar variation 2951947 (VCV002951947.3), dbSNP rs2464458981, ClinGen allele CA2740090296.